The following is an entry in ClinVar:

NM_000535.7(PMS2):c.158A>C (p.Asn53Thr)

Gene: PMS2 (PMS1 homolog 2, mismatch repair system component; minus strand). Cytogenetic location: 7p22.1.
Variant type: single nucleotide variant.
Coding change: c.158A>C on transcript NM_000535.7 (MANE Select); coding-DNA position 158, A replaced by C.
Protein change: p.Asn53Thr; replaces asparagine 53 with threonine.
Molecular consequence: missense variant. On other transcripts: 5 prime UTR variant (38), non-coding transcript variant (1), intron variant (7).
Genome position (GRCh38, 1-based): chr7:6,005,897, T>G on the plus strand (A>C on the coding strand, the complement: PMS2 is on the minus strand). VCF-style: chr7-6005897-T-G. GRCh37 (hg19) VCF-style: chr7-6045528-T-G.
Other names: c.-248A>C (NM_001322003.2, NM_001322005.2, NM_001322009.2 and 10 more transcripts); c.158A>C, p.Asn53Thr (NM_001322006.2, NM_001322014.2, NM_001406868.1 and 10 more transcripts); c.-58A>C (NM_001322007.2, NM_001406876.1, NM_001406883.1 and 4 more transcripts); c.-727A>C (NM_001322011.2, NM_001322012.2); c.-327A>C (NM_001322015.2, NM_001406875.1, NM_001406877.1 and 2 more transcripts); c.344A>C, p.Asn115Thr (NM_001406866.1); c.-274A>C (NM_001406880.1); c.-195A>C (NM_001406888.1, NM_001406889.1, NM_001406892.1 and 5 more transcripts); and 7 more; short protein forms N115T, N53T.
Identifiers: ClinVar variation 3340221 (VCV003340221.1).
Genomic context (GRCh38, chr7:6,005,897, plus strand): 5'-ACTACAACAACATTCACAGATCATTTCTTGTGGCTTAAAACTCTCCCAAACTTACCAATA[T>G]TAGTGGCACCAGCATCCAGACTGTTTTCTACTAACTCCTTTACCGCAGTGCTTAGACTCA-3'
Protein context (NP_000526.2, residues 43-63): VENSLDAGAT[Asn53Thr]IDLKLKDYGV

ClinVar aggregate classification (germline): Uncertain significance (1 of 4 stars; one submission).

Submission:

GeneDx
Classification: Uncertain significance. Last evaluated: 2023-11-07. Review status: criteria provided, single submitter. Criteria: GeneDx Variant Classification Process June 2021. Collection method: clinical testing. Allele origin: germline. Affected: yes.
Comment: Not observed at significant frequency in large population cohorts (gnomAD); In silico analysis supports that this missense variant has a deleterious effect on protein structure/function; Has not been previously published as pathogenic or benign to our knowledge; This variant is associated with the following publications: (PMID: 11574484)